The following is an entry in ClinVar:

ClinVar aggregate classification (germline): Benign/Likely benign. Review status: criteria provided, multiple submitters, no conflicts (2 of 4 stars). 5 submissions from 5 submitters: Benign (2); Likely benign (3). Last evaluated 2026-02-01.

Conditions:
Primary ciliary dyskinesia. Also called: Ciliary dyskinesia. Identifiers: Orphanet 244, MedGen C0008780, MONDO:0016575, HP:0012265.
Primary ciliary dyskinesia 22. Also called: CILIARY DYSKINESIA, PRIMARY, 22, WITH OR WITHOUT SITUS INVERSUS. Identifiers: Orphanet 244, MedGen C3809543, MONDO:0014192, OMIM 615444.

Allele frequency attached by ClinVar (database versions not stated): gnomAD exomes 0.00063 and 0.00113; ExAC 0.00135; gnomAD 0.00309 and 0.00337; 1000 Genomes Project 0.00339; 1000 Genomes Project 30x 0.00344; ESP Exome Variant Server 0.00369; TOPMed 0.00377.

Submissions (5):

Labcorp Genetics (formerly Invitae), Labcorp
Classification: Benign for Primary ciliary dyskinesia. Last evaluated: 2026-02-01. Review status: criteria provided, single submitter. Criteria: Invitae Variant Classification Sherloc (09022015). Collection method: clinical testing. Allele origin: germline.

Blueprint Genetics
Classification: Likely benign. Last evaluated: 2024-11-07. Review status: criteria provided, single submitter. Criteria: ACMG Guidelines, 2015. Collection method: clinical testing. Allele origin: germline.

CeGaT Center for Human Genetics Tuebingen
Classification: Likely benign. Last evaluated: 2024-09-01. Review status: criteria provided, single submitter. Criteria: CeGaT Center For Human Genetics Tuebingen Variant Classification Criteria Version 2. Collection method: clinical testing. Allele origin: germline. Affected: yes. Observed: 3 variant alleles.
Comment: ZMYND10: BP4

ARUP Laboratories, Molecular Genetics and Genomics, ARUP Laboratories
Classification: Likely benign for Primary ciliary dyskinesia 22. Last evaluated: 2024-04-08. Review status: criteria provided, single submitter. Criteria: ARUP Molecular Germline Variant Investigation Process 2024. Collection method: clinical testing. Allele origin: germline.

Breakthrough Genomics
Classification: Benign. Review status: criteria provided, single submitter. Criteria: ACMG Guidelines, 2015. Collection method: not provided. Allele origin: germline. Inheritance: Autosomal recessive inheritance. Affected: yes.

NM_015896.4(ZMYND10):c.727C>T (p.Arg243Cys)

Gene: ZMYND10 (zinc finger MYND-type containing 10; minus strand). Cytogenetic location: 3p21.31.
Variant type: single nucleotide variant.
Coding change: c.727C>T on transcript NM_015896.4 (MANE Select); coding-DNA position 727, C replaced by T.
Protein change: p.Arg243Cys; replaces arginine 243 with cysteine.
Molecular consequence: missense variant.
Genome position (GRCh38, 1-based): chr3:50,342,543, G>A on the plus strand (C>T on the coding strand, the complement: ZMYND10 is on the minus strand). VCF-style: chr3-50342543-G-A. GRCh37 (hg19) VCF-style: chr3-50379974-G-A.
Other names: c.712C>T, p.Arg238Cys (NM_001308379.2); short protein forms R243C, R238C.
Identifiers: ClinVar variation 241071 (VCV000241071.37), dbSNP rs141055331, ClinGen allele CA2417090.